The following is an entry in ClinVar:

NM_000383.4(AIRE):c.1278+6C>T

Gene: AIRE (autoimmune regulator; plus strand). Cytogenetic location: 21q22.3.
Variant type: single nucleotide variant.
Coding change: c.1278+6C>T on transcript NM_000383.4 (MANE Select); 6 bases into the intron after coding-DNA position 1278, C replaced by T.
Molecular consequence: intron variant.
Genome position (GRCh38, 1-based): chr21:44,293,181, C>T. VCF-style: chr21-44293181-C-T. GRCh37 (hg19) VCF-style: chr21-45713064-C-T.
Identifiers: ClinVar variation 971837 (VCV000971837.7), dbSNP rs372612211, ClinGen allele CA10052012.
Genomic context (GRCh38, chr21:44,293,181, plus strand): 5'-GCTGGACTCCTCGGCCCTGCACCCCCTACTGTGTGTGGGTCCTGAGGGTCAGCAGGTGAG[C>T]GGGGAGTGGGGGTCAGGGTGGGCTCTTCAAGGAGCCCAGGACCTACGGGGCGGATGAATT-3'

ClinVar aggregate classification (germline): Uncertain significance. Review status: criteria provided, single submitter (1 of 4 stars). 2 submissions from 2 submitters: Uncertain significance (1). 1 of the submissions does not count toward it. Last evaluated 2024-11-05.

Conditions:
Polyglandular autoimmune syndrome, type 1 (APS1). Also called: PGA I; Autoimmune polyendocrinopathy syndrome , type I, with or without reversible metaphyseal dysplasia; Autoimmune polyendocrine syndrome type 1; HYPOADRENOCORTICISM WITH HYPOPARATHYROIDISM AND SUPERFICIAL MONILIASIS; Autoimmune polyendocrinopathy syndrome, type I; Whitaker syndrome. Identifiers: Orphanet 3453, MedGen C0085859, MONDO:0009411, OMIM 240300.

Allele frequency attached by ClinVar (database versions not stated): gnomAD 0.00001 and 0.00002; gnomAD exomes 0.00004 and 0.00009; TOPMed 0.00007; ESP Exome Variant Server 0.00008; 1000 Genomes Project 30x 0.00016; 1000 Genomes Project 0.00020; ExAC 0.00034.
gnomAD v4.1: 56 of 1,548,510 alleles (0.0036%); highest among the groups gnomAD compares: East Asian, 0.031%; 1 homozygote.

Submissions (2):

Labcorp Genetics (formerly Invitae), Labcorp
Classification: Uncertain significance for Polyglandular autoimmune syndrome, type 1. Last evaluated: 2024-11-05. Review status: criteria provided, single submitter. Criteria: Invitae Variant Classification Sherloc (09022015). Collection method: clinical testing. Allele origin: germline.
Comment: This sequence change falls in intron 10 of the AIRE gene. It does not directly change the encoded amino acid sequence of the AIRE protein. It affects a nucleotide within the consensus splice site. This variant is present in population databases (rs372612211, gnomAD 0.04%). This variant has not been reported in the literature in individuals affected with AIRE-related conditions. ClinVar contains an entry for this variant (Variation ID: 971837). Variants that disrupt the consensus splice site are a relatively common cause of aberrant splicing (PMID: 17576681, 9536098). Algorithms developed to predict the effect of sequence changes on RNA splicing suggest that this variant is not likely to affect RNA splicing. In summary, the available evidence is currently insufficient to determine the role of this variant in disease. Therefore, it has been classified as a Variant of Uncertain Significance.

Natera, Inc.
Classification: Uncertain significance for Polyglandular autoimmune syndrome type 1. Last evaluated: 2020-01-24. Review status: no assertion criteria provided. Collection method: clinical testing. Allele origin: germline. Not counted in ClinVar's aggregate classification.

Literature cited by the submitters: PubMed 17576681 (cited by Labcorp Genetics (formerly Invitae), Labcorp); PubMed 9536098 (cited by Labcorp Genetics (formerly Invitae), Labcorp).